The following is an entry in ClinVar:

ClinVar aggregate classification (germline): Conflicting classifications of pathogenicity. Review status: criteria provided, conflicting classifications (1 of 4 stars). 2 submissions from 2 submitters: Uncertain significance (1); Likely benign (1). Last evaluated 2026-01-16.

Conditions:
Osteogenesis imperfecta type 7 (OI7). Also called: OSTEOGENESIS IMPERFECTA, TYPE IIB; Osteogenesis imperfecta type 2B; OI type 2B; Osteogenesis imperfecta, perinatal lethal autosomal recessive; OI type IIB; OI type 7. Identifiers: MedGen C1853162, MONDO:0012536, OMIM 610682.

Allele frequency attached by ClinVar (database versions not stated): TOPMed 0.00014; ESP Exome Variant Server 0.00038; gnomAD 0.00053 and 0.00056.
gnomAD v4.1: 679 of 1,614,032 alleles (0.042%); highest among the groups gnomAD compares: Non-Finnish European, 0.053%; 2 homozygotes.

Submissions (2):

Labcorp Genetics (formerly Invitae), Labcorp
Classification: Likely benign for Osteogenesis imperfecta type 7. Last evaluated: 2026-01-16. Review status: criteria provided, single submitter. Criteria: Invitae Variant Classification Sherloc (09022015). Collection method: clinical testing. Allele origin: germline.

ARUP Laboratories, Molecular Genetics and Genomics, ARUP Laboratories
Classification: Uncertain significance for Osteogenesis imperfecta type 7. Last evaluated: 2020-01-22. Review status: criteria provided, single submitter. Criteria: ARUP Molecular Germline Variant Investigation Process. Collection method: clinical testing. Allele origin: germline.
Comment: The CRTAP c.655G>A; p.Gly219Ser variant (rs145048208) is reported in the literature in a single individual who was affected with osteogenesis imperfect who also harbored a pathogenic variant in COL1A1 that explained the phenotype (Ãrvai 2016). This variant is also reported in ClinVar (Variation ID: 465814) and is found in the general population with an allele frequency of 0.049% (139/282,882 alleles) in the Genome Aggregation Database. The glycine at codon 219 is highly conserved, but computational analyses (SIFT: tolerated, PolyPhen-2: probably damaging) predict conflicting effects of this variant on protein structure/function. Due to limited information, the clinical significance of this variant is uncertain at this time.

NM_006371.5(CRTAP):c.655G>A (p.Gly219Ser)

Gene: CRTAP (cartilage associated protein; plus strand). Cytogenetic location: 3p22.3.
Variant type: single nucleotide variant.
Coding change: c.655G>A on transcript NM_006371.5 (MANE Select); coding-DNA position 655, G replaced by A.
Protein change: p.Gly219Ser; replaces glycine 219 with serine.
Molecular consequence: missense variant.
Genome position (GRCh38, 1-based): chr3:33,124,441, G>A. VCF-style: chr3-33124441-G-A. GRCh37 (hg19) VCF-style: chr3-33165933-G-A.
Other names: c.655G>A, p.Gly219Ser (NM_001393363.1, NM_001393364.1); c.505G>A, p.Gly169Ser (NM_001393365.1); short protein forms G219S, G169S.
Identifiers: ClinVar variation 465814 (VCV000465814.19), dbSNP rs145048208, ClinGen allele CA2300355.
Genomic context (GRCh38, chr3:33,124,441, plus strand): 5'-CTTCACTGGCTTCTCCATGCCTTTCAGAGCCTGTTCATCCGAGCAGTGCGGGCATACAAC[G>A]GTGAGAACTGGAGAACATCCATCACAGACATGGAGCTGGCCCTTCCCGACTTCTTCAAAG-3'
Protein context (NP_006362.1, residues 209-229): LFIRAVRAYN[Gly219Ser]ENWRTSITDM